The following is an entry in ClinVar:

ClinVar aggregate classification (germline): Uncertain significance (1 of 4 stars; one submission).

Submission:

Labcorp Genetics (formerly Invitae), Labcorp
Classification: Uncertain significance. Last evaluated: 2022-03-12. Review status: criteria provided, single submitter. Criteria: Invitae Variant Classification Sherloc (09022015). Collection method: clinical testing. Allele origin: germline.
Comment: In summary, the available evidence is currently insufficient to determine the role of this variant in disease. Therefore, it has been classified as a Variant of Uncertain Significance. Experimental studies and prediction algorithms are not available or were not evaluated, and the functional significance of this variant is currently unknown. This variant has not been reported in the literature in individuals affected with ASXL1-related conditions. This variant is not present in population databases (gnomAD no frequency). This variant, c.2003_2011del, results in the deletion of 3 amino acid(s) of the ASXL1 protein (p.Gly668_Glu670del), but otherwise preserves the integrity of the reading frame.

NM_015338.6(ASXL1):c.2003_2011del (p.Gly668_Glu670del)

Gene: ASXL1 (ASXL transcriptional regulator 1; plus strand). Cytogenetic location: 20q11.21.
Variant type: Deletion.
Coding change: c.2003_2011del on transcript NM_015338.6 (MANE Select); coding-DNA positions 2003 to 2011, 9 bases deleted (GTGGTGAGG; older notation c.2003_2011delGTGGTGAGG).
Protein change: p.Gly668_Glu670del.
Molecular consequence: inframe deletion.
Genome position (GRCh38, 1-based): chr20:32,434,715-32,434,723, GTGGTGAGG deleted; deleting any 9 consecutive bases within chr20:32,434,714-32,434,723 gives the same sequence; the c. name uses the placement nearest the transcript's 3' end. VCF-style (leftmost placement, unchanged base first): chr20-32434713-TGGTGGTGAG-T. GRCh37 (hg19) VCF-style: chr20-31022516-TGGTGGTGAG-T.
Other names: c.1820_1828del, p.Gly607_Glu609del (NM_001363734.1).
Identifiers: ClinVar variation 2099397 (VCV002099397.4), dbSNP rs2515555682, ClinGen allele CA2580098099.